The following is an entry in ClinVar:

NM_000018.4(ACADVL):c.995T>C (p.Val332Ala)

Gene: ACADVL (acyl-CoA dehydrogenase very long chain; plus strand). Cytogenetic location: 17p13.1.
Variant type: single nucleotide variant.
Coding change: c.995T>C on transcript NM_000018.4 (MANE Select); coding-DNA position 995, T replaced by C.
Protein change: p.Val332Ala; replaces valine 332 with alanine.
Molecular consequence: missense variant.
Genome position (GRCh38, 1-based): chr17:7,222,783, T>C. VCF-style: chr17-7222783-T-C. GRCh37 (hg19) VCF-style: chr17-7126102-T-C.
Other names: c.929T>C, p.Val310Ala (NM_001033859.3); c.1064T>C, p.Val355Ala (NM_001270447.2); c.767T>C, p.Val256Ala (NM_001270448.2); short protein forms V256A, V310A, V332A, V355A.
Identifiers: ClinVar variation 4749720 (VCV004749720.1).

ClinVar aggregate classification (germline): Uncertain significance (1 of 4 stars; one submission).

Conditions:
Very long chain acyl-CoA dehydrogenase deficiency (ACADVLD). Also called: VLCAD Deficiency; Very Long-Chain Acyl-Coenzyme A Dehydrogenase Deficiency. Identifiers: Orphanet 26793, MedGen C3887523, MONDO:0008723, OMIM 201475.

Submission:

Labcorp Genetics (formerly Invitae), Labcorp
Classification: Uncertain significance for Very long chain acyl-CoA dehydrogenase deficiency. Last evaluated: 2025-06-04. Review status: criteria provided, single submitter. Criteria: Invitae Variant Classification Sherloc (09022015). Collection method: clinical testing. Allele origin: germline.
Comment: This sequence change replaces valine, which is neutral and non-polar, with alanine, which is neutral and non-polar, at codon 332 of the ACADVL protein (p.Val332Ala). This variant is not present in population databases (gnomAD no frequency). This variant has not been reported in the literature in individuals affected with ACADVL-related conditions. Invitae Evidence Modeling of protein sequence and biophysical properties (such as structural, functional, and spatial information, amino acid conservation, physicochemical variation, residue mobility, and thermodynamic stability) indicates that this missense variant is expected to disrupt ACADVL protein function with a positive predictive value of 80%. In summary, the available evidence is currently insufficient to determine the role of this variant in disease. Therefore, it has been classified as a Variant of Uncertain Significance.